The following is an entry in ClinVar:

ClinVar aggregate classification (germline): Benign/Likely benign. Review status: criteria provided, multiple submitters, no conflicts (2 of 4 stars). 4 submissions from 4 submitters: Benign (2); Likely benign (2). Last evaluated 2026-01-26.

Conditions:
Frank-Ter Haar syndrome. Also called: Borrone di Rocco Crovato syndrome; TER HAAR SYNDROME; MELNICK-NEEDLES SYNDROME, AUTOSOMAL RECESSIVE; BORRONE DERMATOCARDIOSKELETAL SYNDROME. Identifiers: Orphanet 1266, Orphanet 137834, MedGen C1855305, MONDO:0009579, OMIM 249420.

Allele frequency attached by ClinVar (database versions not stated): ExAC 0.00432; gnomAD 0.00857 and 0.00899; TOPMed 0.00923; 1000 Genomes Project 0.00998; 1000 Genomes Project 30x 0.00999; ESP Exome Variant Server 0.01084; gnomAD exomes 0.00314 and 0.00381.
gnomAD v4.1: 5,917 of 1,613,944 alleles (0.37%); highest among the groups gnomAD compares: African/African-American, 2.3%; 28 homozygotes.

Submissions (4):

Labcorp Genetics (formerly Invitae), Labcorp
Classification: Benign. Last evaluated: 2026-01-26. Review status: criteria provided, single submitter. Criteria: Invitae Variant Classification Sherloc (09022015). Collection method: clinical testing. Allele origin: germline.

GeneDx
Classification: Likely benign. Last evaluated: 2019-01-16. Review status: criteria provided, single submitter. Criteria: GeneDx Variant Classification Process June 2021. Collection method: clinical testing. Allele origin: germline. Affected: yes.

Illumina Laboratory Services, Illumina
Classification: Benign for Frank-Ter Haar syndrome. Last evaluated: 2018-01-12. Review status: criteria provided, single submitter. Criteria: ICSL Variant Classification Criteria 13 December 2019. Collection method: clinical testing. Allele origin: germline.
Comment: This variant was observed in the ICSL laboratory as part of a predisposition screen in an ostensibly healthy population. It had not been previously curated by ICSL or reported in the Human Gene Mutation Database (HGMD: prior to June 1st, 2018), and was therefore a candidate for classification through an automated scoring system. Utilizing variant allele frequency, disease prevalence and penetrance estimates, and inheritance mode, an automated score was calculated to assess if this variant is too frequent to cause the disease. Based on the score and internal cut-off values, a variant classified as benign is not then subjected to further curation. The score for this variant resulted in a classification of benign for this disease.

Breakthrough Genomics
Classification: Likely benign. Review status: criteria provided, single submitter. Criteria: ACMG Guidelines, 2015. Collection method: not provided. Allele origin: germline. Inheritance: Autosomal recessive inheritance. Affected: yes.

NM_001017995.3(SH3PXD2B):c.232+4G>A

Gene: SH3PXD2B (SH3 and PX domains 2B; minus strand). Cytogenetic location: 5q35.1.
Variant type: single nucleotide variant.
Coding change: c.232+4G>A on transcript NM_001017995.3 (MANE Select); 4 bases into the intron after coding-DNA position 232, G replaced by A.
Molecular consequence: intron variant.
Genome position (GRCh38, 1-based): chr5:172,406,273, C>T on the plus strand (G>A on the coding strand, the complement: SH3PXD2B is on the minus strand). VCF-style: chr5-172406273-C-T. GRCh37 (hg19) VCF-style: chr5-171833277-C-T.
Other names: c.232+4G>A (NM_001308175.2).
Identifiers: ClinVar variation 352827 (VCV000352827.19), dbSNP rs79926304, ClinGen allele CA3561644.